The following is an entry in ClinVar:

NM_001271.4(CHD2):c.3952T>C (p.Leu1318=)

Gene: CHD2 (chromodomain helicase DNA binding protein 2; plus strand). Cytogenetic location: 15q26.1.
Variant type: single nucleotide variant.
Coding change: c.3952T>C on transcript NM_001271.4 (MANE Select); coding-DNA position 3952, T replaced by C.
Protein change: p.Leu1318=; no amino-acid change (leucine 1318 retained).
Molecular consequence: synonymous variant.
Genome position (GRCh38, 1-based): chr15:92,998,565, T>C. VCF-style: chr15-92998565-T-C. GRCh37 (hg19) VCF-style: chr15-93541795-T-C.
Identifiers: ClinVar variation 389214 (VCV000389214.9), dbSNP rs376550364, ClinGen allele CA7748330.

ClinVar aggregate classification (germline): Likely benign. Review status: criteria provided, multiple submitters, no conflicts (2 of 4 stars). 2 submissions from 2 submitters: Likely benign (2). Last evaluated 2024-05-15.

Conditions:
Developmental and epileptic encephalopathy 94 (DEE94). Also called: Epileptic encephalopathy, childhood-onset; CHD2-Related Neurodevelopmental Disorders. Identifiers: Orphanet 1942, Orphanet 2382, MedGen C3809278, MONDO:0014150, OMIM 615369.

Allele frequency attached by ClinVar (database versions not stated): gnomAD 0.00001; TOPMed 0.00002; ESP Exome Variant Server 0.00008.
gnomAD v4.1: 2 of 1,613,562 alleles (0.00012%); highest among the groups gnomAD compares: African/African-American, 0.0027%; no homozygotes.

Submissions (2):

Labcorp Genetics (formerly Invitae), Labcorp
Classification: Likely benign for Developmental and epileptic encephalopathy 94. Last evaluated: 2024-05-15. Review status: criteria provided, single submitter. Criteria: Invitae Variant Classification Sherloc (09022015). Collection method: clinical testing. Allele origin: germline.

GeneDx
Classification: Likely benign. Last evaluated: 2016-09-09. Review status: criteria provided, single submitter. Criteria: GeneDx Variant Classification (06012015). Collection method: clinical testing. Allele origin: germline. Affected: yes.
Comment: This variant is considered likely benign or benign based on one or more of the following criteria: it is a conservative change, it occurs at a poorly conserved position in the protein, it is predicted to be benign by multiple in silico algorithms, and/or has population frequency not consistent with disease.